The following is an entry in ClinVar:

ClinVar aggregate classification (germline): Uncertain significance (1 of 4 stars; one submission).

gnomAD v4.1: 29 of 1,613,106 alleles (0.0018%); highest among the groups gnomAD compares: South Asian, 0.029%; no homozygotes.

Submission:

GeneDx
Classification: Uncertain significance. Last evaluated: 2025-05-30. Review status: criteria provided, single submitter. Criteria: GeneDx Variant Classification Process June 2021. Collection method: clinical testing. Allele origin: germline. Affected: yes.
Comment: In silico analysis supports that this missense variant has a deleterious effect on protein structure/function; Has not been previously published as pathogenic or benign to our knowledge; Does not affect a cysteine or calcium-binding residue within an EGF-like domain or a TGF-binding protein domain of the FBN1 gene; cysteine substitutions in the EGF-like domains represent the majority of pathogenic missense changes associated with FBN1-related disorders (PMID: 12938084); This variant is associated with the following publications: (PMID: 12938084)

NM_000138.5(FBN1):c.1613G>A (p.Gly538Asp)

Gene: FBN1 (fibrillin 1; minus strand). Cytogenetic location: 15q21.1.
Variant type: single nucleotide variant.
Coding change: c.1613G>A on transcript NM_000138.5 (MANE Select); coding-DNA position 1613, G replaced by A.
Protein change: p.Gly538Asp; replaces glycine 538 with aspartic acid.
Molecular consequence: missense variant.
Genome position (GRCh38, 1-based): chr15:48,510,145, C>T on the plus strand (G>A on the coding strand, the complement: FBN1 is on the minus strand). VCF-style: chr15-48510145-C-T. GRCh37 (hg19) VCF-style: chr15-48802342-C-T.
Other names: c.1613G>A, p.Gly538Asp (NM_001406716.1); short protein forms G538D.
Identifiers: ClinVar variation 4537953 (VCV004537953.1).
Genomic context (GRCh38, chr15:48,510,145, plus strand): 5'-TTACACACGCAATGAAAACTGCCATCTGTGTTGATGCAGCGTCCATTATTGCAGATCCGG[C>T]CATTCTGTAAACACTCATCAATGTCTAAAATCAAAGTTTAAAAAGAAGAAATAGCTTTAT-3'
Protein context (NP_000129.3, residues 528-548): CRDIDECLQN[Gly538Asp]RICNNGRCIN